The following is an entry in ClinVar:

NM_001165963.4(SCN1A):c.3477del (p.Ile1159fs)

Genes: SCN1A (sodium voltage-gated channel alpha subunit 1; minus strand), LOC102724058 (uncharacterized LOC102724058; plus strand). Cytogenetic location: 2q24.3.
Variant type: Deletion.
Coding change: c.3477del on transcript NM_001165963.4 (MANE Select); coding-DNA position 3477, one base deleted (C; older notation c.3477delC).
Protein change: p.Ile1159fs; shifts the reading frame from isoleucine 1159.
Molecular consequence: frameshift variant. On other transcripts: non-coding transcript variant (2).
Genome position (GRCh38, 1-based): chr2:166,015,680, G deleted on the plus strand (C on the coding strand, the reverse complement: SCN1A is on the minus strand). VCF-style (leftmost placement, unchanged base first): chr2-166015679-CG-C. GRCh37 (hg19) VCF-style: chr2-166872189-CG-C.
Other names: c.3393del, p.Ile1131fs (NM_001165964.3, NM_001353957.2, NM_001353958.2); c.3477del, p.Ile1159fs (NM_001202435.3, NM_001353948.2); c.3444del, p.Ile1148fs (NM_001353949.2, NM_001353950.2, NM_001353951.2 and 2 more transcripts); c.3441del, p.Ile1147fs (NM_001353954.2, NM_001353955.2); c.3390del, p.Ile1130fs (NM_001353960.2); c.1035del, p.Ile345fs (NM_001353961.2); short protein forms I1148fs, I1159fs, I345fs, I1130fs, I1131fs, I1147fs.
Identifiers: ClinVar variation 189885 (VCV000189885.1), dbSNP rs794726729, ClinGen allele CA303209.

ClinVar aggregate classification (germline): Pathogenic (1 of 4 stars; one submission).

Conditions:
Severe myoclonic epilepsy in infancy (DRVT). Also called: Epileptic encephalopathy, early infantile, 6 (Dravet syndrome); SEVERE MYOCLONIC EPILEPSY OF INFANCY; DEVELOPMENTAL AND EPILEPTIC ENCEPHALOPATHY 6A; Severe Myoclonic Epilepsy in Infancy (SMEI); Dravet syndrome. Identifiers: Orphanet 33069, MedGen C0751122, MONDO:0100135, OMIM 607208.

Submission:

Center for Bioinformatics, Peking University
Classification: Pathogenic for Dravet syndrome. Last evaluated: 2014-12-20. Review status: criteria provided, single submitter. Criteria: Xu et al. (Hum Mutat. 2015). Collection method: research. Allele origin: de novo. Affected: yes. Observed: 1 variant allele. Study: University Clinical Cooperation “985 Project” PKU-2014-1-1.
Comment: Dravet syndrome (DS) probands were recruited from the outpatient and inpatient child neurology units of Peking University First Hospital from 2005 till present. The study was approved by the Ethics Committee of Peking University First Hospital and the Institutional Review Board at Peking University. Participants or their parents provided written informed consent before enrollment. We collected a total of 267 mutations from 255 families with probands diagnosed with DS in China. All probands fulfilled the clinical diagnostic criteria.